The following is an entry in ClinVar:

NM_153252.5(BRWD3):c.4432C>T (p.Pro1478Ser)

Gene: BRWD3 (bromodomain and WD repeat domain containing 3; minus strand). Cytogenetic location: Xq21.1.
Variant type: single nucleotide variant.
Coding change: c.4432C>T on transcript NM_153252.5 (MANE Select); coding-DNA position 4432, C replaced by T.
Protein change: p.Pro1478Ser; replaces proline 1478 with serine.
Molecular consequence: missense variant.
Genome position (GRCh38, 1-based): chrX:80,682,060, G>A on the plus strand (C>T on the coding strand, the complement: BRWD3 is on the minus strand). VCF-style: chrX-80682060-G-A. GRCh37 (hg19) VCF-style: chrX-79937559-G-A.
Other names: short protein forms P1478S.
Identifiers: ClinVar variation 2630422 (VCV002630422.3), dbSNP rs372009174, ClinGen allele CA10461650.

ClinVar aggregate classification (germline): Uncertain significance. Review status: criteria provided, multiple submitters, no conflicts (2 of 4 stars). 2 submissions from 2 submitters: Uncertain significance (2). Last evaluated 2024-12-31.

Conditions:
BRWD3-related disorder. Also called: BRWD3-related condition.

Allele frequency attached by ClinVar (database versions not stated): ExAC 0.00001; gnomAD 0.00001; ESP Exome Variant Server 0.00009.
gnomAD v4.1: 1 of 1,207,091 alleles (0.000083%); highest among the groups gnomAD compares: African/African-American, 0.0018%; no homozygotes.

Submissions (2):

Labcorp Genetics (formerly Invitae), Labcorp
Classification: Uncertain significance. Last evaluated: 2024-12-31. Review status: criteria provided, single submitter. Criteria: Invitae Variant Classification Sherloc (09022015). Collection method: clinical testing. Allele origin: germline.
Comment: This sequence change replaces proline, which is neutral and non-polar, with serine, which is neutral and polar, at codon 1478 of the BRWD3 protein (p.Pro1478Ser). This variant is present in population databases (rs372009174, gnomAD 0.008%), including at least one homozygous and/or hemizygous individual. This variant has not been reported in the literature in individuals affected with BRWD3-related conditions. ClinVar contains an entry for this variant (Variation ID: 2630422). Invitae Evidence Modeling of protein sequence and biophysical properties (such as structural, functional, and spatial information, amino acid conservation, physicochemical variation, residue mobility, and thermodynamic stability) indicates that this missense variant is not expected to disrupt BRWD3 protein function with a negative predictive value of 80%. In summary, the available evidence is currently insufficient to determine the role of this variant in disease. Therefore, it has been classified as a Variant of Uncertain Significance.

PreventionGenetics, part of Exact Sciences
Classification: Uncertain significance for BRWD3-related condition. Last evaluated: 2023-02-02. Review status: criteria provided, single submitter. Criteria: ACMG Guidelines, 2015. Collection method: clinical testing. Allele origin: germline.
Comment: The BRWD3 c.4432C>T variant is predicted to result in the amino acid substitution p.Pro1478Ser. To our knowledge, this variant has not been reported in the literature. This variant is reported in 0.0076% of alleles in individuals of African descent in gnomAD, including one hemizygous individual. Although we suspect that this variant may be benign, at this time, the clinical significance of this variant is uncertain due to the absence of conclusive functional and genetic evidence.